The following is an entry in ClinVar:

NM_016247.4(IMPG2):c.3195A>T (p.Gly1065=)

Gene: IMPG2 (interphotoreceptor matrix proteoglycan 2; minus strand). Cytogenetic location: 3q12.3.
Variant type: single nucleotide variant.
Coding change: c.3195A>T on transcript NM_016247.4 (MANE Select); coding-DNA position 3195, A replaced by T.
Protein change: p.Gly1065=; no amino-acid change (glycine 1065 retained).
Molecular consequence: synonymous variant.
Genome position (GRCh38, 1-based): chr3:101,232,819, T>A on the plus strand (A>T on the coding strand, the complement: IMPG2 is on the minus strand). VCF-style: chr3-101232819-T-A. GRCh37 (hg19) VCF-style: chr3-100951663-T-A.
Identifiers: ClinVar variation 4733469 (VCV004733469.1).

ClinVar aggregate classification (germline): Uncertain significance (1 of 4 stars; one submission).

Submission:

Labcorp Genetics (formerly Invitae), Labcorp
Classification: Uncertain significance. Last evaluated: 2026-01-12. Review status: criteria provided, single submitter. Criteria: Invitae Variant Classification Sherloc (09022015). Collection method: clinical testing. Allele origin: germline.
Comment: This sequence change affects codon 1065 of the IMPG2 mRNA. It is a 'silent' change, meaning that it does not change the encoded amino acid sequence of the IMPG2 protein. This variant is not present in population databases (gnomAD no frequency). This variant has not been reported in the literature in individuals affected with IMPG2-related conditions. Algorithms developed to predict the effect of sequence changes on RNA splicing suggest that this variant may disrupt the consensus splice site. In summary, the available evidence is currently insufficient to determine the role of this variant in disease. Therefore, it has been classified as a Variant of Uncertain Significance.